The following is an entry in ClinVar:

NM_016151.4(TAOK2):c.2666G>C (p.Trp889Ser)

Gene: TAOK2 (TAO kinase 2; plus strand). Cytogenetic location: 16p11.2.
Variant type: single nucleotide variant.
Coding change: c.2666G>C on transcript NM_016151.4 (MANE Select); coding-DNA position 2666, G replaced by C.
Protein change: p.Trp889Ser; replaces tryptophan 889 with serine.
Molecular consequence: missense variant. On other transcripts: intron variant (1).
Genome position (GRCh38, 1-based): chr16:29,986,938, G>C. VCF-style: chr16-29986938-G-C. GRCh37 (hg19) VCF-style: chr16-29998259-G-C.
Other names: c.2666G>C (NM_016151.2); c.2327G>C, p.Trp776Ser (NM_001252043.2); c.2232+434G>C (NM_004783.4); short protein forms W776S, W889S.
Identifiers: ClinVar variation 2187998 (VCV002187998.6), dbSNP rs759463491, ClinGen allele CA7998425.

ClinVar aggregate classification (germline): Uncertain significance. Review status: criteria provided, multiple submitters, no conflicts (2 of 4 stars). 2 submissions from 2 submitters: Uncertain significance (2). Last evaluated 2024-09-20.

Allele frequency attached by ClinVar (database versions not stated): gnomAD exomes 0.00001; gnomAD 0.00002; TOPMed 0.00002; ExAC 0.00005.
gnomAD v4.1: 13 of 1,613,956 alleles (0.00081%); highest among the groups gnomAD compares: East Asian, 0.029%; no homozygotes.

Submissions (2):

Labcorp Genetics (formerly Invitae), Labcorp
Classification: Uncertain significance. Last evaluated: 2024-09-20. Review status: criteria provided, single submitter. Criteria: Invitae Variant Classification Sherloc (09022015). Collection method: clinical testing. Allele origin: germline.
Comment: This sequence change replaces tryptophan, which is neutral and slightly polar, with serine, which is neutral and polar, at codon 889 of the TAOK2 protein (p.Trp889Ser). This variant is present in population databases (rs759463491, gnomAD 0.05%). This variant has not been reported in the literature in individuals affected with TAOK2-related conditions. ClinVar contains an entry for this variant (Variation ID: 2187998). An algorithm developed to predict the effect of missense changes on protein structure and function (PolyPhen-2) suggests that this variant is likely to be disruptive. In summary, the available evidence is currently insufficient to determine the role of this variant in disease. Therefore, it has been classified as a Variant of Uncertain Significance.

Ambry Genetics
Classification: Uncertain significance. Last evaluated: 2023-04-17. Review status: criteria provided, single submitter. Criteria: Ambry Variant Classification Scheme 2023. Collection method: clinical testing. Allele origin: germline.